The following is an entry in ClinVar:

NM_007294.4(BRCA1):c.5406A>T (p.Thr1802=)

Gene: BRCA1 (BRCA1 DNA repair associated; minus strand). Cytogenetic location: 17q21.31.
Variant type: single nucleotide variant.
Coding change: c.5406A>T on transcript NM_007294.4 (MANE Select); coding-DNA position 5406, A replaced by T.
Protein change: p.Thr1802=; no amino-acid change (threonine 1802 retained).
Molecular consequence: synonymous variant. On other transcripts: intron variant (19).
Genome position (GRCh38, 1-based): chr17:43,049,121, T>A on the plus strand (A>T on the coding strand, the complement: BRCA1 is on the minus strand). VCF-style: chr17-43049121-T-A. GRCh37 (hg19) VCF-style: chr17-41201138-T-A.
Other names: c.5067A>T, p.Thr1689= (NM_001407956.1, NM_001407957.1, NM_001407958.1); c.5025A>T, p.Thr1675= (NM_001407959.1); c.5022A>T, p.Thr1674= (NM_001407960.1, NM_001407962.1); c.5019A>T, p.Thr1673= (NM_001407963.1); c.4944A>T, p.Thr1648= (NM_001407964.1); c.4899A>T, p.Thr1633= (NM_001407965.1); c.4518A>T, p.Thr1506= (NM_001407966.1); c.4515A>T, p.Thr1505= (NM_001407967.1); and 84 more.
Identifiers: ClinVar variation 868426 (VCV000868426.3), dbSNP rs879255493, ClinGen allele CA500143272.
Genomic context (GRCh38, chr17:43,049,121, plus strand): 5'-GTCTTGCTCACAGGAGAGAATATTGTGTCCTCCCTCTCTGACAGGGCACCCAATACTTAC[T>A]GTGCCAAGGGTGAATGATGAAAGCTCCTTCACCACAGAAGCACCACACAGCTGTACCATC-3'
Protein context (NP_009225.1, residues 1792-1812): VKELSSFTLG[Thr1802=]GVHPIVVVQP

Conditions:
Breast-ovarian cancer, familial, susceptibility to, 1 (BROVCA1). Also called: BRCA1 Hereditary Breast and Ovarian Cancer; OVARIAN CANCER, SUSCEPTIBILITY TO. Identifiers: Orphanet 145, MedGen C2676676, MONDO:0011450, OMIM 604370. Disease mechanism: loss of function.

Submission:

Brotman Baty Institute, University of Washington
No classification provided (evidence only). Condition: Breast-ovarian cancer, familial 1. Review status: no classification provided. Collection method: in vitro. Allele origin: not applicable. Functional consequence: functionally_normal.
ClinVar note: "not provided" was previously submitted as the classification for the variant. However, the classification appeared to be based only on an observation of functional data so it was converted to no classification on 2025-07-30.